The following is an entry in ClinVar:

ClinVar aggregate classification (germline): Uncertain significance (1 of 4 stars; one submission).

Conditions:
Hereditary breast ovarian cancer syndrome. Also called: Hereditary breast and ovarian cancer syndrome (HBOC); Breast and ovarian cancer; BRCA1- and BRCA2-Associated Hereditary Breast and Ovarian Cancer; Hereditary breast and ovarian cancer syndrome; Hereditary breast and ovarian cancer; Hereditary breast and/or ovarian cancer syndrome. Identifiers: Orphanet 145, MedGen C0677776, MeSH D061325, MONDO:0003582. Disease mechanism: loss of function.

Submission:

Labcorp Genetics (formerly Invitae), Labcorp
Classification: Uncertain significance for Hereditary breast ovarian cancer syndrome. Last evaluated: 2023-02-18. Review status: criteria provided, single submitter. Criteria: Invitae Variant Classification Sherloc (09022015). Collection method: clinical testing. Allele origin: germline.
Comment: Advanced modeling of protein sequence and biophysical properties (such as structural, functional, and spatial information, amino acid conservation, physicochemical variation, residue mobility, and thermodynamic stability) has been performed at Invitae for this missense variant, however the output from this modeling did not meet the statistical confidence thresholds required to predict the impact of this variant on BRCA1 protein function. This variant has not been reported in the literature in individuals affected with BRCA1-related conditions. This variant is not present in population databases (gnomAD no frequency). This sequence change replaces serine, which is neutral and polar, with cysteine, which is neutral and slightly polar, at codon 36 of the BRCA1 protein (p.Ser36Cys). In summary, the available evidence is currently insufficient to determine the role of this variant in disease. Therefore, it has been classified as a Variant of Uncertain Significance.

NM_007294.4(BRCA1):c.107C>G (p.Ser36Cys)

Gene: BRCA1 (BRCA1 DNA repair associated; minus strand). Cytogenetic location: 17q21.31.
Variant type: single nucleotide variant.
Coding change: c.107C>G on transcript NM_007294.4 (MANE Select); coding-DNA position 107, C replaced by G.
Protein change: p.Ser36Cys; replaces serine 36 with cysteine.
Molecular consequence: missense variant. On other transcripts: 5 prime UTR variant (132), intron variant (41).
Genome position (GRCh38, 1-based): chr17:43,115,753, G>C on the plus strand (C>G on the coding strand, the complement: BRCA1 is on the minus strand). VCF-style: chr17-43115753-G-C. GRCh37 (hg19) VCF-style: chr17-41267770-G-C.
Other names: c.-197C>G (NM_001408512.1, NM_001407960.1, NM_001407962.1 and 1 more transcripts); c.-82C>G (NM_001408513.1, NM_001408514.1, NM_001407853.1 and 52 more transcripts); c.107C>G, p.Ser36Cys (NM_007298.4, NM_007304.2, NM_007299.4 and 192 more transcripts); c.-219+9524C>G (NM_001407967.1); c.-170+9524C>G (NM_001407959.1); c.-7-9220C>G (NM_001407931.1, NM_001407747.1, NM_001408511.1 and 2 more transcripts); c.-151C>G (NM_001407694.1, NM_001407696.1, NM_001407724.1 and 13 more transcripts); c.-155C>G (NM_001407695.1, NM_001408465.1); and 10 more; short protein forms S36C.
Identifiers: ClinVar variation 2838674 (VCV002838674.3), dbSNP rs183557525, ClinGen allele CA10601940.
Genomic context (GRCh38, chr17:43,115,753, plus strand): 5'-AATAATGGAGCCACATAACACATTCAAACTTACTTGCAAAATATGTGGTCACACTTTGTG[G>C]AGACAGGTTCCTTGATCAACTCCAGACTAGCAGGGTAGGGGGGGAGAAAAAGAAAATAAA-3'
Protein context (NP_009225.1, residues 26-46): ICLELIKEPV[Ser36Cys]TKCDHIFCKF